The following is an entry in ClinVar:

ClinVar aggregate classification (germline): Uncertain significance. Review status: criteria provided, multiple submitters, no conflicts (2 of 4 stars). 4 submissions from 4 submitters: Uncertain significance (4). Last evaluated 2026-08-06.

Conditions:
ALG9 congenital disorder of glycosylation (CDG1L). Also called: CONGENITAL DISORDER OF GLYCOSYLATION, TYPE Il; CDG Il; ALG9-CDG. Identifiers: Orphanet 79328, MedGen C2931006, MONDO:0012117, OMIM 608776.
Cutis laxa with osteodystrophy (ARCL2A). Also called: Debré-Type Cutis Laxa; Autosomal recessive cutis laxa type 2A; CUTIS LAXA WITH CONGENITAL DISORDER OF GLYCOSYLATION; CUTIS LAXA, AUTOSOMAL RECESSIVE, TYPE IIA; CUTIS LAXA WITH BONE DYSTROPHY; CUTIS LAXA WITH GROWTH AND DEVELOPMENTAL DELAY. Identifiers: Orphanet 357058, MedGen C0268355, MONDO:0018163, OMIM 219200. Disease mechanism: loss of function.
Wrinkly skin syndrome (WSS). Also called: Type of Gerodermia osteodysplastica. Identifiers: Orphanet 2834, MedGen C0406587, MONDO:0010208, OMIM 278250.

Allele frequency attached by ClinVar (database versions not stated): ExAC 0.00004; gnomAD 0.00006 and 0.00007; TOPMed 0.00007; gnomAD exomes 0.00015 and 0.00004.
gnomAD v4.1: 217 of 1,614,038 alleles (0.013%); highest among the groups gnomAD compares: Non-Finnish European, 0.018%; no homozygotes.

Submissions (4):

GeneDx
Classification: Uncertain significance. Last evaluated: 2026-08-06. Review status: criteria provided, single submitter. Criteria: GeneDx Variant Classification Process June 2021. Collection method: clinical testing. Allele origin: germline.
Comment: Not observed at significant frequency in large population cohorts (gnomAD); In silico analysis supports that this missense variant has a deleterious effect on protein structure/function; Has not been previously published as pathogenic or benign to our knowledge

Labcorp Genetics (formerly Invitae), Labcorp
Classification: Uncertain significance for ALG9 congenital disorder of glycosylation. Last evaluated: 2022-05-18. Review status: criteria provided, single submitter. Criteria: Invitae Variant Classification Sherloc (09022015). Collection method: clinical testing. Allele origin: germline.
Comment: This sequence change replaces glycine, which is neutral and non-polar, with valine, which is neutral and non-polar, at codon 778 of the ATP6V0A2 protein (p.Gly778Val). This variant is present in population databases (rs762614200, gnomAD 0.009%). This variant has not been reported in the literature in individuals affected with ATP6V0A2-related conditions. ClinVar contains an entry for this variant (Variation ID: 307597). Algorithms developed to predict the effect of missense changes on protein structure and function are either unavailable or do not agree on the potential impact of this missense change (SIFT: "Deleterious"; PolyPhen-2: "Probably Damaging"; Align-GVGD: "Class C15"). In summary, the available evidence is currently insufficient to determine the role of this variant in disease. Therefore, it has been classified as a Variant of Uncertain Significance.

Fulgent Genetics
Classification: Uncertain significance for Cutis laxa with osteodystrophy; Wrinkly skin syndrome. Last evaluated: 2021-12-13. Review status: criteria provided, single submitter. Criteria: ACMG Guidelines, 2015. Collection method: clinical testing. Allele origin: unknown.

Illumina Laboratory Services, Illumina
Classification: Uncertain significance for Cutis laxa with osteodystrophy. Last evaluated: 2018-01-13. Review status: criteria provided, single submitter. Criteria: ICSL Variant Classification Criteria 13 December 2019. Collection method: clinical testing. Allele origin: germline.

NM_012463.4(ATP6V0A2):c.2333G>T (p.Gly778Val)

Gene: ATP6V0A2 (ATPase H+ transporting V0 subunit a2; plus strand). Cytogenetic location: 12q24.31.
Variant type: single nucleotide variant.
Coding change: c.2333G>T on transcript NM_012463.4 (MANE Select); coding-DNA position 2333, G replaced by T.
Protein change: p.Gly778Val; replaces glycine 778 with valine.
Molecular consequence: missense variant.
Genome position (GRCh38, 1-based): chr12:123,756,854, G>T. VCF-style: chr12-123756854-G-T. GRCh37 (hg19) VCF-style: chr12-124241401-G-T.
Other names: short protein forms G778V.
Identifiers: ClinVar variation 307597 (VCV000307597.13), dbSNP rs762614200, ClinGen allele CA6862220.